The following is an entry in ClinVar:

ClinVar aggregate classification (germline): Pathogenic/Likely pathogenic. Review status: criteria provided, multiple submitters, no conflicts (2 of 4 stars). 4 submissions from 4 submitters: Pathogenic (3); Likely pathogenic (1). Last evaluated 2025-04-11.

Conditions:
GCH1-related disorder. Also called: GCH1-related condition.
GTP cyclohydrolase I deficiency. Identifiers: MedGen C0268467, MONDO:0100184.
Dystonia 5 (DRD). Also called: GTP Cyclohydrolase 1-Deficient Dopa-Responsive Dystonia; Dystonia, DOPA-responsive, with or without hyperphenylalaninemia; DYT-GCH1; DYSTONIA, PROGRESSIVE, WITH DIURNAL VARIATION; DYSTONIA-PARKINSONISM WITH DIURNAL FLUCTUATION. Identifiers: Orphanet 98808, MedGen C1851920, MONDO:0007495, OMIM 128230.

Submissions (4):

Labcorp Genetics (formerly Invitae), Labcorp
Classification: Pathogenic for GTP cyclohydrolase I deficiency; Dystonia 5. Last evaluated: 2025-04-11. Review status: criteria provided, single submitter. Criteria: Invitae Variant Classification Sherloc (09022015). Collection method: clinical testing. Allele origin: germline.
Comment: This sequence change affects an acceptor splice site in intron 3 of the GCH1 gene. RNA analysis indicates that disruption of this splice site induces altered splicing and may result in an absent or altered protein product. This variant is not present in population databases (gnomAD no frequency). Disruption of this splice site has been observed in individuals with autosomal dominant dystonia and related disorders (PMID: 9566388; internal data). ClinVar contains an entry for this variant (Variation ID: 447375). Studies have shown that disruption of this splice site results in skipping of exon 4, and produces a non-functional protein and/or introduces a premature termination codon (PMID: 9566388). For these reasons, this variant has been classified as Pathogenic.

GeneDx
Classification: Pathogenic. Last evaluated: 2025-03-31. Review status: criteria provided, single submitter. Criteria: GeneDx Variant Classification Process June 2021. Collection method: clinical testing. Allele origin: germline. Affected: yes.
Comment: Canonical splice site variant predicted to result in a null allele in a gene for which loss of function is a known mechanism of disease; Not observed at significant frequency in large population cohorts (gnomAD); Has not been previously published as pathogenic or benign to our knowledge

Blueprint Genetics
Classification: Likely pathogenic for GCH1-related disorders. Last evaluated: 2022-09-14. Review status: criteria provided, single submitter. Criteria: ACMG Guidelines, 2015. Collection method: clinical testing. Allele origin: germline. Affected: yes. Observed: 1 variant allele.

Athena Diagnostics
Classification: Pathogenic. Last evaluated: 2016-12-22. Review status: criteria provided, single submitter. Criteria: Athena Diagnostics Criteria. Collection method: clinical testing. Allele origin: germline.

Literature cited by the submitters: PubMed 9566388 (cited by Labcorp Genetics (formerly Invitae), Labcorp and Athena Diagnostics).

NM_000161.3(GCH1):c.510-1G>A

Gene: GCH1 (GTP cyclohydrolase 1; minus strand). Cytogenetic location: 14q22.2.
Variant type: single nucleotide variant.
Coding change: c.510-1G>A on transcript NM_000161.3 (MANE Select); the canonical splice acceptor site of the intron before coding-DNA position 510, G replaced by A.
Molecular consequence: splice acceptor variant.
Genome position (GRCh38, 1-based): chr14:54,847,131, C>T on the plus strand (G>A on the coding strand, the complement: GCH1 is on the minus strand). VCF-style: chr14-54847131-C-T. GRCh37 (hg19) VCF-style: chr14-55313849-C-T.
Other names: c.510-1G>A (NM_001024071.2, NM_001024070.2, NM_001024024.2).
Identifiers: ClinVar variation 447375 (VCV000447375.8), dbSNP rs1555358604, ClinGen allele CA389787520.
Genomic context (GRCh38, chr14:54,847,131, plus strand): 5'-TCTGTTAATACAGATTTTTAAAGCTTACCTTGTAGTCTTCTACTATAGATTTCTACAATC[C>T]TAGAAAAGAAAGAATTGTTTTAGTTAATCACAAATCATTTGAAGTAAAATTGATAAGCCT-3'